The following is an entry in ClinVar:

NM_000541.5(SAG):c.1073G>A (p.Arg358His)

Gene: SAG (S-antigen visual arrestin; plus strand). Cytogenetic location: 2q37.1.
Variant type: single nucleotide variant.
Coding change: c.1073G>A on transcript NM_000541.5 (MANE Select); coding-DNA position 1073, G replaced by A.
Protein change: p.Arg358His; replaces arginine 358 with histidine.
Molecular consequence: missense variant.
Genome position (GRCh38, 1-based): chr2:233,342,297, G>A. VCF-style: chr2-233342297-G-A. GRCh37 (hg19) VCF-style: chr2-234250943-G-A.
Other names: c.1073G>A (NM_000541.4); short protein forms R358H.
Identifiers: ClinVar variation 2966013 (VCV002966013.7), dbSNP rs185626336, ClinGen allele CA2174665.
Genomic context (GRCh38, chr2:233,342,297, plus strand): 5'-GGTGTTCACACCAATCTTCATTCTTTTTTTCTAGTGAAGTCGCCACTGAGGTCCCATTCC[G>A]CCTCATGCACCCTCAGCCTGAGGACCCAGGTCAGTTATGTCCTTTTTTAGCTTTCTTTAA-3'
Protein context (NP_000532.2, residues 348-368): SSEVATEVPF[Arg358His]LMHPQPEDPA

ClinVar aggregate classification (germline): Uncertain significance. Review status: criteria provided, multiple submitters, no conflicts (2 of 4 stars). 5 submissions from 5 submitters: Uncertain significance (5). Last evaluated 2026-08-04.

Conditions:
Inborn genetic diseases. Identifiers: MedGen C0950123, MeSH D030342.
Retinal dystrophy. Also called: Inherited retinal dystrophy. Identifiers: Orphanet 71862, MedGen C0854723, MeSH D058499, MONDO:0019118, HP:0000556.
SAG-related disorder. Also called: SAG-related condition; SAG-related disorders.

Allele frequency attached by ClinVar (database versions not stated): 1000 Genomes Project 30x 0.00016; 1000 Genomes Project 0.00020; gnomAD exomes 0.00001; ExAC 0.00006; gnomAD 0.00007; ESP Exome Variant Server 0.00008; TOPMed 0.00008.
gnomAD v4.1: 29 of 1,608,796 alleles (0.0018%); highest among the groups gnomAD compares: African/African-American, 0.023%; no homozygotes.

Submissions (5):

PreventionGenetics, part of Exact Sciences
Classification: Uncertain significance for SAG-related condition. Last evaluated: 2026-08-04. Review status: criteria provided, single submitter. Criteria: ACMG Guidelines, 2015. Collection method: clinical testing. Allele origin: germline.
Comment: The SAG c.1073G>A variant is predicted to result in the amino acid substitution p.Arg358His. To our knowledge, this variant has not been reported in the literature in association with retinitis pigmentosa. This variant is reported in 0.034% of alleles in individuals of African descent in gnomAD. At this time, the clinical significance of this variant is uncertain due to the absence of conclusive functional and genetic evidence.

Labcorp Genetics (formerly Invitae), Labcorp
Classification: Uncertain significance. Last evaluated: 2025-01-29. Review status: criteria provided, single submitter. Criteria: Invitae Variant Classification Sherloc (09022015). Collection method: clinical testing. Allele origin: germline.
Comment: This sequence change replaces arginine, which is basic and polar, with histidine, which is basic and polar, at codon 358 of the SAG protein (p.Arg358His). This variant is present in population databases (rs185626336, gnomAD 0.03%). This variant has not been reported in the literature in individuals affected with SAG-related conditions. ClinVar contains an entry for this variant (Variation ID: 2966013). Invitae Evidence Modeling of protein sequence and biophysical properties (such as structural, functional, and spatial information, amino acid conservation, physicochemical variation, residue mobility, and thermodynamic stability) indicates that this missense variant is not expected to disrupt SAG protein function with a negative predictive value of 80%. In summary, the available evidence is currently insufficient to determine the role of this variant in disease. Therefore, it has been classified as a Variant of Uncertain Significance.

Blueprint Genetics
Classification: Uncertain significance. Last evaluated: 2024-07-16. Review status: criteria provided, single submitter. Criteria: ACMG Guidelines, 2015. Collection method: clinical testing. Allele origin: germline.

Ambry Genetics
Classification: Uncertain significance for Inborn genetic diseases. Last evaluated: 2024-05-14. Review status: criteria provided, single submitter. Criteria: Ambry Variant Classification Scheme 2023. Collection method: clinical testing. Allele origin: germline.

Dept Of Ophthalmology, Nagoya University
Classification: Uncertain significance for Retinal dystrophy. Last evaluated: 2023-10-01. Review status: criteria provided, single submitter. Criteria: Submitter's publication. Collection method: research. Allele origin: germline. Affected: yes.